The following is an entry in ClinVar:

NM_000143.4(FH):c.1015del (p.Ala339fs)

Gene: FH (fumarate hydratase; minus strand). Cytogenetic location: 1q43.
Variant type: Deletion.
Coding change: c.1015del on transcript NM_000143.4 (MANE Select); coding-DNA position 1015, one base deleted (G; older notation c.1015delG).
Protein change: p.Ala339fs; shifts the reading frame from alanine 339.
Molecular consequence: frameshift variant.
Genome position (GRCh38, 1-based): chr1:241,504,135, C deleted on the plus strand (G on the coding strand, the reverse complement: FH is on the minus strand). VCF-style (leftmost placement, unchanged base first): chr1-241504134-GC-G. GRCh37 (hg19) VCF-style: chr1-241667434-GC-G.
Other names: short protein forms A339fs.
Identifiers: ClinVar variation 2756957 (VCV002756957.3), dbSNP rs2527319443, ClinGen allele CA2697547769.

ClinVar aggregate classification (germline): Pathogenic (1 of 4 stars; one submission).

Submission:

Labcorp Genetics (formerly Invitae), Labcorp
Classification: Pathogenic. Last evaluated: 2023-08-31. Review status: criteria provided, single submitter. Criteria: Invitae Variant Classification Sherloc (09022015). Collection method: clinical testing. Allele origin: germline.
Comment: For these reasons, this variant has been classified as Pathogenic. This variant has not been reported in the literature in individuals affected with FH-related conditions. This variant is not present in population databases (gnomAD no frequency). This sequence change creates a premature translational stop signal (p.Ala339Glnfs*18) in the FH gene. It is expected to result in an absent or disrupted protein product. Loss-of-function variants in FH are known to be pathogenic (PMID: 11865300, 21398687).

Literature cited by the submitters: PubMed 11865300; PubMed 21398687.